The following is an entry in ClinVar:

NM_000171.4(GLRA1):c.770T>C (p.Ile257Thr)

Gene: GLRA1 (glycine receptor alpha 1; minus strand). Cytogenetic location: 5q33.1.
Variant type: single nucleotide variant.
Coding change: c.770T>C on transcript NM_000171.4 (MANE Select); coding-DNA position 770, T replaced by C.
Protein change: p.Ile257Thr; replaces isoleucine 257 with threonine.
Molecular consequence: missense variant.
Genome position (GRCh38, 1-based): chr5:151,851,532, A>G on the plus strand (T>C on the coding strand, the complement: GLRA1 is on the minus strand). VCF-style: chr5-151851532-A-G. GRCh37 (hg19) VCF-style: chr5-151231093-A-G.
Other names: c.770T>C, p.Ile257Thr (NM_001146040.2); c.521T>C, p.Ile174Thr (NM_001292000.2); short protein forms I174T, I257T.
Identifiers: ClinVar variation 1349609 (VCV001349609.8), dbSNP rs1752910323, ClinGen allele CA361837918.

ClinVar aggregate classification (germline): Uncertain significance (1 of 4 stars; one submission).

Conditions:
Hereditary hyperekplexia. Identifiers: Orphanet 3197, MedGen C4084968, MONDO:0021022.

gnomAD v4.1: 1 of 1,614,008 alleles (0.000062%); highest among the groups gnomAD compares: African/African-American, 0.0013%; no homozygotes.

Submission:

Labcorp Genetics (formerly Invitae), Labcorp
Classification: Uncertain significance for Hereditary hyperekplexia. Last evaluated: 2022-02-10. Review status: criteria provided, single submitter. Criteria: Invitae Variant Classification Sherloc (09022015). Collection method: clinical testing. Allele origin: germline.
Comment: In summary, the available evidence is currently insufficient to determine the role of this variant in disease. Therefore, it has been classified as a Variant of Uncertain Significance. Advanced modeling of protein sequence and biophysical properties (such as structural, functional, and spatial information, amino acid conservation, physicochemical variation, residue mobility, and thermodynamic stability) performed at Invitae indicates that this missense variant is expected to disrupt GLRA1 protein function. This variant has not been reported in the literature in individuals affected with GLRA1-related conditions. This variant is not present in population databases (gnomAD no frequency). This sequence change replaces isoleucine, which is neutral and non-polar, with threonine, which is neutral and polar, at codon 257 of the GLRA1 protein (p.Ile257Thr).